The following is an entry in ClinVar:

NM_201384.3(PLEC):c.12805T>G (p.Ser4269Ala)

Gene: PLEC (plectin; minus strand). Cytogenetic location: 8q24.3.
Variant type: single nucleotide variant.
Coding change: c.12805T>G on transcript NM_201384.3 (MANE Select); coding-DNA position 12805, T replaced by G.
Protein change: p.Ser4269Ala; replaces serine 4269 with alanine.
Molecular consequence: missense variant.
Genome position (GRCh38, 1-based): chr8:143,917,016, A>C on the plus strand (T>G on the coding strand, the complement: PLEC is on the minus strand). VCF-style: chr8-143917016-A-C. GRCh37 (hg19) VCF-style: chr8-144991184-A-C.
Other names: c.12886T>G, p.Ser4296Ala (NM_000445.5); c.9505T>G, p.Ser3169Ala (NM_001410941.1); c.12763T>G, p.Ser4255Ala (NM_201378.4); c.12739T>G, p.Ser4247Ala (NM_201379.3); c.13216T>G, p.Ser4406Ala (NM_201380.4); c.12709T>G, p.Ser4237Ala (NM_201381.3); c.12805T>G, p.Ser4269Ala (NM_201382.4); c.12817T>G, p.Ser4273Ala (NM_201383.3); short protein forms S4269A, S3169A, S4237A, S4255A, S4273A, S4296A, S4406A, S4247A.
Identifiers: ClinVar variation 2072575 (VCV002072575.4), dbSNP rs980115202, ClinGen allele CA372478714.

ClinVar aggregate classification (germline): Uncertain significance (1 of 4 stars; one submission).

Conditions:
Epidermolysis bullosa simplex 5B, with muscular dystrophy (EBS5B). Also called: EPIDERMOLYSIS BULLOSA SIMPLEX AND LIMB-GIRDLE MUSCULAR DYSTROPHY; Epidermolysis bullosa simplex with muscular dystrophy. Identifiers: Orphanet 257, MedGen C2931072, MONDO:0009181, OMIM 226670.
Epidermolysis bullosa simplex 5C, with pyloric atresia (EBS5C). Also called: Epidermolysis bullosa simplex with pyloric atresia; PLEC-Related Epidermolysis Bullosa with Pyloric Atresia; PLEC1-Related Epidermolysis Bullosa with Pyloric Atresia. Identifiers: Orphanet 158684, MedGen C2677349, MONDO:0012807, OMIM 612138.
Epidermolysis bullosa simplex with nail dystrophy (EBS5D). Identifiers: MedGen C4225309, MONDO:0014661, OMIM 616487.
Autosomal recessive limb-girdle muscular dystrophy type 2Q (LGMDR17). Also called: MUSCULAR DYSTROPHY, LIMB-GIRDLE, AUTOSOMAL RECESSIVE 17. Identifiers: Orphanet 254361, MedGen C3150989, MONDO:0013390, OMIM 613723.
Epidermolysis bullosa simplex, Ogna type (EBS5A). Also called: Pidermolysis bullosa simplex 5A, Ogna type; EPIDERMOLYSIS BULLOSA SIMPLEX 5A, OGNA TYPE. Identifiers: Orphanet 79401, MedGen C0432317, MONDO:0007555, OMIM 131950.

Submission:

Labcorp Genetics (formerly Invitae), Labcorp
Classification: Uncertain significance for Autosomal recessive limb-girdle muscular dystrophy type 2Q; Epidermolysis bullosa simplex, Ogna type; Epidermolysis bullosa simplex with nail dystrophy; Epidermolysis bullosa simplex 5C, with pyloric atresia; Epidermolysis bullosa simplex 5B, with muscular dystrophy. Last evaluated: 2024-11-11. Review status: criteria provided, single submitter. Criteria: Invitae Variant Classification Sherloc (09022015). Collection method: clinical testing. Allele origin: germline.
Comment: This sequence change replaces serine, which is neutral and polar, with alanine, which is neutral and non-polar, at codon 4296 of the PLEC protein (p.Ser4296Ala). This variant is not present in population databases (gnomAD no frequency). This variant has not been reported in the literature in individuals affected with PLEC-related conditions. ClinVar contains an entry for this variant (Variation ID: 2072575). Invitae Evidence Modeling of protein sequence and biophysical properties (such as structural, functional, and spatial information, amino acid conservation, physicochemical variation, residue mobility, and thermodynamic stability) indicates that this missense variant is not expected to disrupt PLEC protein function with a negative predictive value of 80%. In summary, the available evidence is currently insufficient to determine the role of this variant in disease. Therefore, it has been classified as a Variant of Uncertain Significance.